The following is an entry in ClinVar:

ClinVar aggregate classification (germline): Uncertain significance. Review status: criteria provided, multiple submitters, no conflicts (2 of 4 stars). 2 submissions from 2 submitters: Uncertain significance (2). Last evaluated 2024-06-03.

Conditions:
MORM syndrome (MORMS). Identifiers: Orphanet 75858, MedGen C1857802, MONDO:0012423, OMIM 610156.
Joubert syndrome 1 (JBTS1). Also called: Cerebellooculorenal syndrome 1; CEREBELLOPARENCHYMAL DISORDER IV. Identifiers: MedGen C4551568, MONDO:0008944, OMIM 213300.
Joubert syndrome. Also called: Familial aplasia of the vermis; JOUBERT-BOLTSHAUSER SYNDROME. Identifiers: Orphanet 475, MedGen C5979921, MONDO:0018772.

Allele frequency attached by ClinVar (database versions not stated): TOPMed 0.00001; gnomAD exomes below 0.00001.
gnomAD v4.1: 5 of 1,410,216 alleles (0.00035%); highest among the groups gnomAD compares: East Asian, 0.0058%; no homozygotes.

Submissions (2):

Labcorp Genetics (formerly Invitae), Labcorp
Classification: Uncertain significance for Joubert syndrome. Last evaluated: 2024-06-03. Review status: criteria provided, single submitter. Criteria: Invitae Variant Classification Sherloc (09022015). Collection method: clinical testing. Allele origin: germline.
Comment: This sequence change replaces proline, which is neutral and non-polar, with alanine, which is neutral and non-polar, at codon 31 of the INPP5E protein (p.Pro31Ala). This variant is not present in population databases (gnomAD no frequency). This variant has not been reported in the literature in individuals affected with INPP5E-related conditions. ClinVar contains an entry for this variant (Variation ID: 2157629). Advanced modeling of protein sequence and biophysical properties (such as structural, functional, and spatial information, amino acid conservation, physicochemical variation, residue mobility, and thermodynamic stability) performed at Invitae indicates that this missense variant is not expected to disrupt INPP5E protein function with a negative predictive value of 95%. In summary, the available evidence is currently insufficient to determine the role of this variant in disease. Therefore, it has been classified as a Variant of Uncertain Significance.

Fulgent Genetics
Classification: Uncertain significance for Joubert syndrome 1; MORM syndrome. Last evaluated: 2024-03-20. Review status: criteria provided, single submitter. Criteria: ACMG Guidelines, 2015. Collection method: clinical testing. Allele origin: germline.

NM_019892.6(INPP5E):c.91C>G (p.Pro31Ala)

Gene: INPP5E (inositol polyphosphate-5-phosphatase E; minus strand). Cytogenetic location: 9q34.3.
Variant type: single nucleotide variant.
Coding change: c.91C>G on transcript NM_019892.6 (MANE Select); coding-DNA position 91, C replaced by G.
Protein change: p.Pro31Ala; replaces proline 31 with alanine.
Molecular consequence: missense variant.
Genome position (GRCh38, 1-based): chr9:136,439,329, G>C on the plus strand (C>G on the coding strand, the complement: INPP5E is on the minus strand). VCF-style: chr9-136439329-G-C. GRCh37 (hg19) VCF-style: chr9-139333781-G-C.
Other names: c.91C>G, p.Pro31Ala (NM_001318502.2); short protein forms P31A.
Identifiers: ClinVar variation 2157629 (VCV002157629.4), dbSNP rs1392971117, ClinGen allele CA375571493.